The following is an entry in ClinVar:

NM_000051.4(ATM):c.935dup (p.Leu312fs)

Gene: ATM (ATM serine/threonine kinase; plus strand). Cytogenetic location: 11q22.3.
Variant type: Duplication.
Coding change: c.935dup on transcript NM_000051.4 (MANE Select); coding-DNA position 935, one base duplicated (T; older notation c.935dupT).
Protein change: p.Leu312fs; shifts the reading frame from leucine 312.
Molecular consequence: frameshift variant.
Genome position (GRCh38, 1-based): chr11:108,246,997, T duplicated; the last of 4 consecutive T bases (chr11:108,246,994-108,246,997); duplicating any one gives the same sequence. VCF-style (leftmost placement, unchanged base first): chr11-108246993-A-AT. GRCh37 (hg19) VCF-style: chr11-108117720-A-AT.
Other names: c.935dup, p.Leu312fs (NM_001351834.2); short protein forms L312fs.
Identifiers: ClinVar variation 926721 (VCV000926721.3), dbSNP rs2079879604, ClinGen allele CA913188363.

ClinVar aggregate classification (germline): Pathogenic (1 of 4 stars; one submission).

Conditions:
Hereditary cancer-predisposing syndrome. Also called: Neoplastic Syndromes, Hereditary; Tumor predisposition; Hereditary Cancer Syndrome; Hereditary neoplastic syndrome. Identifiers: Orphanet 140162, MedGen C0027672, MeSH D009386, MONDO:0015356.

Submission:

Color Diagnostics, LLC DBA Color Health
Classification: Pathogenic for Hereditary cancer-predisposing syndrome. Last evaluated: 2020-01-15. Review status: criteria provided, single submitter. Criteria: ACMG Guidelines, 2015. Collection method: clinical testing. Allele origin: germline.
Comment: This variant inserts 1 nucleotide in exon 8 of the ATM gene, creating a frameshift and premature translation stop signal. This variant is expected to result in an absent or non-functional protein product. This variant has not been identified in the general population by the Genome Aggregation Database (gnomAD). Loss of ATM function is a known mechanism of disease. Based on the available evidence, this variant is classified as Pathogenic.